The following is an entry in ClinVar:

NM_005984.5(SLC25A1):c.821+1G>A

Gene: SLC25A1 (solute carrier family 25 member 1; minus strand). Cytogenetic location: 22q11.21.
Variant type: single nucleotide variant.
Coding change: c.821+1G>A on transcript NM_005984.5 (MANE Select); the canonical splice donor site of the intron after coding-DNA position 821, G replaced by A.
Molecular consequence: splice donor variant.
Genome position (GRCh38, 1-based): chr22:19,176,420, C>T on the plus strand (G>A on the coding strand, the complement: SLC25A1 is on the minus strand). VCF-style: chr22-19176420-C-T. GRCh37 (hg19) VCF-style: chr22-19163933-C-T.
Other names: c.512+1G>A (NM_001287387.2); c.842+1G>A (NM_001256534.2).
Identifiers: ClinVar variation 689643 (VCV000689643.3), dbSNP rs781974501, ClinGen allele CA10097276.
Genomic context (GRCh38, chr22:19,176,420, plus strand): 5'-GGCCAGGTAGGCCGGGAAAGGTTTGAGGTGGGGACAATAGCCCTGCCCCTCCCCCACTCA[C>T]GCCTTGAGCCCCTCCTTCTTCAGGATCTGCAAGCCGCAGTCCCACGTGTTCCGGTATTTG-3'

ClinVar aggregate classification (germline): Pathogenic. Review status: criteria provided, multiple submitters, no conflicts (2 of 4 stars). 2 submissions from 2 submitters: Pathogenic (2). Last evaluated 2024-12-18.

Conditions:
Myasthenic syndrome, congenital, 23, presynaptic. Identifiers: MedGen C4748678, MONDO:0032596, OMIM 618197.
2-hydroxyglutaric aciduria (D2L2AD). Identifiers: Orphanet 19, Orphanet 356978, MedGen C2746066, MONDO:0016001. Disease mechanism: loss of function.

Allele frequency attached by ClinVar (database versions not stated): ExAC 0.00001; TOPMed 0.00004.
gnomAD v4.1: 6 of 1,613,308 alleles (0.00037%); highest among the groups gnomAD compares: South Asian, 0.0011%; no homozygotes.

Submissions (2):

Genomic Medicine Center of Excellence, King Faisal Specialist Hospital and Research Centre
Classification: Pathogenic for Myasthenic syndrome, congenital, 23, presynaptic. Last evaluated: 2024-12-18. Review status: criteria provided, single submitter. Criteria: ACMG Guidelines, 2015. Collection method: clinical testing. Allele origin: germline.

HudsonAlpha Institute for Biotechnology
Classification: Pathogenic for D,L-2-hydroxyglutaric aciduria. Last evaluated: 2019-07-23. Review status: criteria provided, single submitter. Criteria: ACMG Guidelines, 2015. Collection method: research. Allele origin: paternal. Affected: yes. Observed: 1 variant allele. Study: CSER-SouthSeq.
Comment: ACMG codes: PVS1, PM2, PM3